The following is an entry in ClinVar:

ClinVar aggregate classification (germline): Uncertain significance (1 of 4 stars; one submission).

Conditions:
Gorlin syndrome. Also called: Nevoid Basal Cell Carcinoma Syndrome; Basal cell nevus syndrome. Identifiers: Orphanet 377, MedGen C0004779, MONDO:0007187.

Submission:

Labcorp Genetics (formerly Invitae), Labcorp
Classification: Uncertain significance for Gorlin syndrome. Last evaluated: 2023-12-27. Review status: criteria provided, single submitter. Criteria: Invitae Variant Classification Sherloc (09022015). Collection method: clinical testing. Allele origin: germline.
Comment: This sequence change replaces glutamic acid, which is acidic and polar, with lysine, which is basic and polar, at codon 339 of the PTCH1 protein (p.Glu339Lys). This variant is not present in population databases (gnomAD no frequency). This variant has not been reported in the literature in individuals affected with PTCH1-related conditions. Advanced modeling of protein sequence and biophysical properties (such as structural, functional, and spatial information, amino acid conservation, physicochemical variation, residue mobility, and thermodynamic stability) performed at Invitae indicates that this missense variant is not expected to disrupt PTCH1 protein function with a negative predictive value of 95%. In summary, the available evidence is currently insufficient to determine the role of this variant in disease. Therefore, it has been classified as a Variant of Uncertain Significance.

NM_000264.5(PTCH1):c.1015G>A (p.Glu339Lys)

Gene: PTCH1 (patched 1; minus strand). Cytogenetic location: 9q22.32.
Variant type: single nucleotide variant.
Coding change: c.1015G>A on transcript NM_000264.5 (MANE Select); coding-DNA position 1015, G replaced by A.
Protein change: p.Glu339Lys; replaces glutamic acid 339 with lysine.
Molecular consequence: missense variant. On other transcripts: non-coding transcript variant (1).
Genome position (GRCh38, 1-based): chr9:95,480,021, C>T on the plus strand (G>A on the coding strand, the complement: PTCH1 is on the minus strand). VCF-style: chr9-95480021-C-T. GRCh37 (hg19) VCF-style: chr9-98242303-C-T.
Other names: c.817G>A, p.Glu273Lys (NM_001083602.3); c.1012G>A, p.Glu338Lys (NM_001083603.3); c.562G>A, p.Glu188Lys (NM_001083604.3, NM_001083605.3, NM_001083606.3 and 1 more transcripts); c.1015G>A, p.Glu339Lys (NM_001354918.2); short protein forms E273K, E339K, E188K, E338K.
Identifiers: ClinVar variation 2765337 (VCV002765337.3), dbSNP rs2118391288, ClinGen allele CA374119665.